The following is an entry in ClinVar:

ClinVar aggregate classification (germline): Uncertain significance. Review status: criteria provided, multiple submitters, no conflicts (2 of 4 stars). 3 submissions from 3 submitters: Uncertain significance (3). Last evaluated 2025-12-15.

Conditions:
Inborn genetic diseases. Identifiers: MedGen C0950123, MeSH D030342.

Allele frequency attached by ClinVar (database versions not stated): gnomAD 0.00004; TOPMed 0.00005.
gnomAD v4.1: 47 of 1,603,858 alleles (0.0029%); highest among the groups gnomAD compares: Middle Eastern, 0.017%; no homozygotes.

Submissions (3):

Labcorp Genetics (formerly Invitae), Labcorp
Classification: Uncertain significance. Last evaluated: 2025-12-15. Review status: criteria provided, single submitter. Criteria: Invitae Variant Classification Sherloc (09022015). Collection method: clinical testing. Allele origin: germline.
Comment: This sequence change replaces glycine, which is neutral and non-polar, with serine, which is neutral and polar, at codon 139 of the COL9A3 protein (p.Gly139Ser). This variant is present in population databases (rs551439892, gnomAD 0.009%). This variant has not been reported in the literature in individuals affected with COL9A3-related conditions. ClinVar contains an entry for this variant (Variation ID: 1366046). Invitae Evidence Modeling of protein sequence and biophysical properties (such as structural, functional, and spatial information, amino acid conservation, physicochemical variation, residue mobility, and thermodynamic stability) indicates that this missense variant is expected to disrupt COL9A3 protein function with a positive predictive value of 95%. In summary, the available evidence is currently insufficient to determine the role of this variant in disease. Therefore, it has been classified as a Variant of Uncertain Significance.

Ambry Genetics
Classification: Uncertain significance for Inborn genetic diseases. Last evaluated: 2025-04-24. Review status: criteria provided, single submitter. Criteria: Ambry Variant Classification Scheme 2023. Collection method: clinical testing. Allele origin: germline.

Blueprint Genetics
Classification: Uncertain significance. Last evaluated: 2022-09-28. Review status: criteria provided, single submitter. Criteria: ACMG Guidelines, 2015. Collection method: clinical testing. Allele origin: germline.

NM_001853.4(COL9A3):c.415G>A (p.Gly139Ser)

Gene: COL9A3 (collagen type IX alpha 3 chain; plus strand). Cytogenetic location: 20q13.33.
Variant type: single nucleotide variant.
Coding change: c.415G>A on transcript NM_001853.4 (MANE Select); coding-DNA position 415, G replaced by A.
Protein change: p.Gly139Ser; replaces glycine 139 with serine.
Molecular consequence: missense variant.
Genome position (GRCh38, 1-based): chr20:62,821,802, G>A. VCF-style: chr20-62821802-G-A. GRCh37 (hg19) VCF-style: chr20-61453154-G-A.
Other names: c.415G>A (NM_001853.3); short protein forms G139S.
Identifiers: ClinVar variation 1366046 (VCV001366046.8), dbSNP rs551439892, ClinGen allele CA9949239.